The following is an entry in ClinVar:

ClinVar aggregate classification (germline): Uncertain significance (1 of 4 stars; one submission).

Submission:

GeneDx
Classification: Uncertain significance. Last evaluated: 2026-07-21. Review status: criteria provided, single submitter. Criteria: GeneDx Variant Classification Process June 2021. Collection method: clinical testing. Allele origin: germline.
Comment: Not observed at significant frequency in large population cohorts (gnomAD); In silico analysis supports that this missense variant has a deleterious effect on protein structure/function; Has not been previously published as pathogenic or benign to our knowledge

NM_001001331.4(ATP2B2):c.2594T>A (p.Val865Glu)

Gene: ATP2B2 (ATPase plasma membrane Ca2+ transporting 2; minus strand). Cytogenetic location: 3p25.3.
Variant type: single nucleotide variant.
Coding change: c.2594T>A on transcript NM_001001331.4 (MANE Select); coding-DNA position 2594, T replaced by A.
Protein change: p.Val865Glu; replaces valine 865 with glutamic acid.
Molecular consequence: missense variant.
Genome position (GRCh38, 1-based): chr3:10,345,493, A>T on the plus strand (T>A on the coding strand, the complement: ATP2B2 is on the minus strand). VCF-style: chr3-10345493-A-T. GRCh37 (hg19) VCF-style: chr3-10387177-A-T.
Other names: c.2459T>A, p.Val820Glu (NM_001330611.3, NM_001353564.1, NM_001363862.1 and 1 more transcripts); short protein forms V820E, V865E.
Identifiers: ClinVar variation 3373453 (VCV003373453.2).